The following is an entry in ClinVar:

NM_014112.5(TRPS1):c.2049del (p.Lys683fs)

Gene: TRPS1 (transcriptional repressor GATA binding 1; minus strand). Cytogenetic location: 8q23.3.
Variant type: Deletion.
Coding change: c.2049del on transcript NM_014112.5 (MANE Select); coding-DNA position 2049, one base deleted (A; older notation c.2049delA).
Protein change: p.Lys683fs; shifts the reading frame from lysine 683.
Molecular consequence: frameshift variant.
Genome position (GRCh38, 1-based): chr8:115,603,920, T deleted on the plus strand (A on the coding strand, the reverse complement: TRPS1 is on the minus strand); the first of 3 consecutive T bases (chr8:115,603,920-115,603,922); deleting any one gives the same sequence. VCF-style (leftmost placement, unchanged base first): chr8-115603919-AT-A. GRCh37 (hg19) VCF-style: chr8-116616146-AT-A.
Other names: c.2022del, p.Lys674fs (NM_001282902.3); c.2028del, p.Lys676fs (NM_001282903.3); c.2010del, p.Lys670fs (NM_001330599.2); short protein forms K670fs, K674fs, K676fs, K683fs.
Identifiers: ClinVar variation 2954460 (VCV002954460.3), dbSNP rs2536888237, ClinGen allele CA2740095132.
Genomic context (GRCh38, chr8:115,603,919, plus strand): 5'-CCCCCATGCCTCACCTGTAGTGTCGGGAAATCTCTTCTTCCACTTGGGTAATAAAATCAC[AT>A]TTGGTACATGAGTGTTCTTTGCTTTCCTTGACAGACTGCTGCCCATCCGATCCTTGCAGG-3'

ClinVar aggregate classification (germline): Pathogenic (1 of 4 stars; one submission).

Conditions:
Trichorhinophalangeal syndrome, type III (TRPS3). Also called: SUGIO-KAJII SYNDROME. Identifiers: Orphanet 77258, MedGen C1860823, OMIM 190351, MONDO:0008597.
Trichorhinophalangeal dysplasia type I (TRPS1). Also called: TRICHORHINOPHALANGEAL SYNDROME, TYPE I; TRPS I. Identifiers: Orphanet 77258, MedGen C0432233, MONDO:0008596, OMIM 190350.

Submission:

Labcorp Genetics (formerly Invitae), Labcorp
Classification: Pathogenic for Trichorhinophalangeal syndrome, type III; Trichorhinophalangeal dysplasia type I. Last evaluated: 2024-02-06. Review status: criteria provided, single submitter. Criteria: Invitae Variant Classification Sherloc (09022015). Collection method: clinical testing. Allele origin: germline.
Comment: This sequence change creates a premature translational stop signal (p.Lys683Asnfs*81) in the TRPS1 gene. It is expected to result in an absent or disrupted protein product. Loss-of-function variants in TRPS1 are known to be pathogenic (PMID: 11112658). This variant is not present in population databases (gnomAD no frequency). This variant has not been reported in the literature in individuals affected with TRPS1-related conditions. For these reasons, this variant has been classified as Pathogenic.

Literature cited by the submitters: PubMed 11112658.